The following is an entry in ClinVar:

NM_000540.3(RYR1):c.3523G>A (p.Glu1175Lys)

Gene: RYR1 (ryanodine receptor 1; plus strand). Cytogenetic location: 19q13.2.
Variant type: single nucleotide variant.
Coding change: c.3523G>A on transcript NM_000540.3 (MANE Select); coding-DNA position 3523, G replaced by A.
Protein change: p.Glu1175Lys; replaces glutamic acid 1175 with lysine.
Molecular consequence: missense variant.
Genome position (GRCh38, 1-based): chr19:38,469,107, G>A. VCF-style: chr19-38469107-G-A. GRCh37 (hg19) VCF-style: chr19-38959747-G-A.
Other names: c.3523G>A, p.Glu1175Lys (NM_001042723.2); short protein forms E1175K.
Identifiers: ClinVar variation 544453 (VCV000544453.23), dbSNP rs769744438, ClinGen allele CA064958.
Genomic context (GRCh38, chr19:38,469,107, plus strand): 5'-ACAGAGAACACCATTATCTTCACCCTCAATGGCGAGGTCCTCATGTCTGACTCAGGCTCC[G>A]AAACAGCCTTCCGGGAGATTGAGATTGGGGACGGTGAGGGCTGAGACCCCTTCACATGCC-3'
Protein context (NP_000531.2, residues 1165-1185): GEVLMSDSGS[Glu1175Lys]TAFREIEIGD

ClinVar aggregate classification (germline): Conflicting classifications of pathogenicity. Review status: criteria provided, conflicting classifications (1 of 4 stars). 9 submissions from 9 submitters: Pathogenic (2); Likely pathogenic (4); Uncertain significance (1). 2 of the submissions do not count toward it. Last evaluated 2026-06-25.

Conditions:
Congenital multicore myopathy with external ophthalmoplegia (CMYO1B). Also called: Congenital myopathy 1B, autosomal recessive; Minicore myopathy; MULTICORE MYOPATHY; MULTIMINICORE DISEASE WITH EXTERNAL OPHTHALMOPLEGIA; Minicore myopathy with external ophthalmoplegia. Identifiers: Orphanet 598, Orphanet 98905, MedGen C1850674, MONDO:0009712, OMIM 255320, HP:0003789.
Malignant hyperthermia, susceptibility to, 1 (MHS1). Also called: Malignant hyperthermia suceptibility 1; RYR1-Related Malignant Hyperthermia Susceptibility; Anesthesia related hyperthermia; Malignant hyperpyrexia; Fulminating hyperpyrexia; Pharmacogenic myopathy. Identifiers: Orphanet 423, MedGen C2930980, MONDO:0007783, OMIM 145600.
King Denborough syndrome (KDS). Identifiers: MedGen C1840365, MONDO:0020485, OMIM 619542.
Central core myopathy (CMYO1A). Also called: Central core disease; Myopathy, central fibrillar; CONGENITAL MYOPATHY 1A, AUTOSOMAL DOMINANT, WITH SUSCEPTIBILITY TO MALIGNANT HYPERTHERMIA. Identifiers: Orphanet 597, MedGen C5830701, MONDO:0007294, OMIM 117000.
Centronuclear myopathy (CNM). Also called: Centronuclear myopathy, congenital; Myotubular myopathy. Identifiers: Orphanet 595, MedGen C0175709, MONDO:0018947. Inheritance: All.
RYR1-related disorder. Also called: RYR1-related condition; RYR1-related disorders. Identifiers: MedGen CN239331.

Allele frequency attached by ClinVar (database versions not stated): gnomAD 0.00001 and 0.00002; gnomAD exomes 0.00001 and 0.00002; TOPMed 0.00001; ExAC 0.00002.
gnomAD v4.1: 14 of 1,614,038 alleles (0.00087%); highest among the groups gnomAD compares: East Asian, 0.0067%; no homozygotes.

Submissions (9):

GeneDx
Classification: Pathogenic. Last evaluated: 2026-06-25. Review status: criteria provided, single submitter. Criteria: GeneDx Variant Classification Process June 2021. Collection method: clinical testing. Allele origin: germline.
Comment: In silico analysis supports that this missense variant has a deleterious effect on protein structure/function; Not observed at significant frequency in large population cohorts (gnomAD); This variant is associated with the following publications: (PMID: 25635128, 28818389, 37273706, 35387801, 35081925, 33333461, 33726816, 35693006, 34595679, 35548885, 35627144, 25214167, 38982518, 39815277)

Labcorp Genetics (formerly Invitae), Labcorp
Classification: Pathogenic for RYR1-related disorder. Last evaluated: 2025-10-19. Review status: criteria provided, single submitter. Criteria: Invitae Variant Classification Sherloc (09022015). Collection method: clinical testing. Allele origin: germline.
Comment: This sequence change replaces glutamic acid, which is acidic and polar, with lysine, which is basic and polar, at codon 1175 of the RYR1 protein (p.Glu1175Lys). This variant is present in population databases (rs769744438, gnomAD 0.02%). This missense change has been observed in individual(s) with autosomal recessive centronuclear myopathy (PMID: 25214167, 28818389). In at least one individual the data is consistent with being in trans (on the opposite chromosome) from a pathogenic variant. This variant has been reported in individual(s) with autosomal dominant congenital myopathy (PMID: 25635128; internal data); however, the role of the variant in this condition is currently unclear. ClinVar contains an entry for this variant (Variation ID: 544453). Invitae Evidence Modeling of protein sequence and biophysical properties (such as structural, functional, and spatial information, amino acid conservation, physicochemical variation, residue mobility, and thermodynamic stability) has been performed for this missense variant. However, the output from this modeling did not meet the statistical confidence thresholds required to predict the impact of this variant on RYR1 protein function. For these reasons, this variant has been classified as Pathogenic.

Color Diagnostics, LLC DBA Color Health
Classification: Uncertain significance for Malignant hyperthermia, susceptibility to, 1. Last evaluated: 2024-04-18. Review status: criteria provided, single submitter. Criteria: ACMG Guidelines, 2015. Collection method: clinical testing. Allele origin: germline.
Comment: This missense variant replaces glutamic acid with lysine at codon 1175 of the RYR1 protein. Computational prediction is inconclusive regarding the impact of this variant on protein structure and function. To our knowledge, functional studies have not been reported for this variant. This variant has not been reported in individuals affected with autosomal dominant malignant hyperthermia in the literature, although it is associated with other phenotypes (ClinVar Variation ID: 544453). This variant has been identified in 7/282856 chromosomes in the general population by the Genome Aggregation Database (gnomAD). Due to insufficient evidence, this variant is classified as a Variant of Uncertain Significance for autosomal dominant malignant hyperthermia.

Muscle and Diseases Team, Institut de Génétique et Biologie Moléculaire et Cellulaire
Classification: Likely pathogenic for Centronuclear myopathy. Last evaluated: 2024-03-01. Review status: criteria provided, single submitter. Criteria: ACMG Guidelines, 2015. Collection method: research. Allele origin: unknown. Affected: yes. Observed: 2 variant alleles.
Comment: PM3_Strong+PM2+PP1+PP2

Fulgent Genetics
Classification: Likely pathogenic for Central core myopathy; Malignant hyperthermia, susceptibility to, 1; Congenital multicore myopathy with external ophthalmoplegia; King Denborough syndrome. Last evaluated: 2024-02-01. Review status: criteria provided, single submitter. Criteria: ACMG Guidelines, 2015. Collection method: clinical testing. Allele origin: germline.

Clinical Genetics and Genomics, Karolinska University Hospital
Classification: Likely pathogenic. Last evaluated: 2017-02-21. Review status: criteria provided, single submitter. Criteria: ACMG Guidelines, 2015. Collection method: clinical testing. Allele origin: germline. Affected: yes. Observed: 2 variant alleles.

Juno Genomics, Hangzhou Juno Genomics, Inc
Classification: Likely pathogenic for Congenital multicore myopathy with external ophthalmoplegia. Review status: criteria provided, single submitter. Criteria: ACMG Guidelines, 2015. Collection method: clinical testing. Allele origin: germline.
Comment: For recessive disorders, detected in trans with a pathogenic variant.

PreventionGenetics, part of Exact Sciences
Classification: Pathogenic for RYR1-related condition. Last evaluated: 2024-07-05. Review status: no assertion criteria provided. Collection method: clinical testing. Allele origin: germline. Not counted in ClinVar's aggregate classification.
Comment: The RYR1 c.3523G>A variant is predicted to result in the amino acid substitution p.Glu1175Lys. The RYR1 gene variant c.3523G>A is predicted to result in the amino acid substitution p.Glu1175Lys. The c.3523G>A variant has been reported in the compound heterozygous state in many individuals with autosomal recessive RYR1 myopathy (Abath Neto et al 2017. PubMed ID: 28818389; Savarese et al. 2014. PubMed ID: 25214167; Ng, G.H.T., et al. 2017. Hong Kong Journal of Radiology; Chae et al. 2015. PubMed ID: 25635128). This variant is reported in 0.015% of alleles in individuals of East Asian descent in gnomAD. This variant is interpreted as pathogenic for autosomal recessive RYR1 myopathy.

All of Us Research Program, National Institutes of Health
Classification: Uncertain significance for Malignant hyperthermia, susceptibility to, 1. Last evaluated: 2024-07-29. Review status: flagged submission. Criteria: ACMG Guidelines, 2015. Collection method: clinical testing. Allele origin: germline. Inheritance: Autosomal dominant inheritance. Observed: 7 variant alleles, 7 heterozygotes. Not counted in ClinVar's aggregate classification.
Comment: This missense variant replaces glutamic acid with lysine at codon 1175 of the RYR1 protein. Computational prediction is inconclusive regarding the impact of this variant on protein structure and function (internally defined REVEL score threshold 0.5 < inconclusive < 0.7, PMID: 27666373). To our knowledge, functional studies have not been reported for this variant. This variant has not been reported in individuals affected with autosomal dominant malignant hyperthermia in the literature, although it is associated with other phenotypes (ClinVar Variation ID: 544453). This variant has been identified in 7/282856 chromosomes in the general population by the Genome Aggregation Database (gnomAD). Due to insufficient evidence, this variant is classified as a Variant of Uncertain Significance for autosomal dominant malignant hyperthermia.

This study involves interpretation of variants in research participants for the purpose of population health screening. Participant phenotype was not available at the time of variant classification. Additional details can be found in publication PMID: 35346344, PMCID: PMC8962531
ClinVar note: Reason: Outlier claim with insufficient supporting evidence

Literature cited by the submitters: PubMed 25214167 (cited by Labcorp Genetics (formerly Invitae), Labcorp); PubMed 28818389 (cited by Labcorp Genetics (formerly Invitae), Labcorp and Muscle and Diseases Team, Institut de Génétique et Biologie Moléculaire et Cellulaire); PubMed 25635128 (cited by Labcorp Genetics (formerly Invitae), Labcorp); DOI 10.1186/s13073-024-01353-0 (cited by Muscle and Diseases Team, Institut de Génétique et Biologie Moléculaire et Cellulaire).